The following is an entry in ClinVar:

NM_021930.6(RINT1):c.273+6T>C

Gene: RINT1 (RAD50 interactor 1; plus strand). Cytogenetic location: 7q22.3.
Variant type: single nucleotide variant.
Coding change: c.273+6T>C on transcript NM_021930.6 (MANE Select); 6 bases into the intron after coding-DNA position 273, T replaced by C.
Molecular consequence: intron variant.
Genome position (GRCh38, 1-based): chr7:105,536,755, T>C. VCF-style: chr7-105536755-T-C. GRCh37 (hg19) VCF-style: chr7-105177202-T-C.
Other names: c.-747+6T>C (NM_001346600.2); c.-650+6T>C (NM_001346601.2); c.-270+6T>C (NM_001346603.2); c.39+143T>C (NM_001346599.2).
Identifiers: ClinVar variation 2077144 (VCV002077144.4), dbSNP rs1449691798, ClinGen allele CA576983791.

ClinVar aggregate classification (germline): Uncertain significance (1 of 4 stars; one submission).

Allele frequency attached by ClinVar (database versions not stated): gnomAD 0.00001; gnomAD exomes 0.00002.
gnomAD v4.1: 29 of 1,537,214 alleles (0.0019%); highest among the groups gnomAD compares: Non-Finnish European, 0.0026%; no homozygotes.

Submission:

Labcorp Genetics (formerly Invitae), Labcorp
Classification: Uncertain significance. Last evaluated: 2022-02-20. Review status: criteria provided, single submitter. Criteria: Invitae Variant Classification Sherloc (09022015). Collection method: clinical testing. Allele origin: germline.
Comment: In summary, the available evidence is currently insufficient to determine the role of this variant in disease. Therefore, it has been classified as a Variant of Uncertain Significance. Variants that disrupt the consensus splice site are a relatively common cause of aberrant splicing (PMID: 17576681, 9536098). Algorithms developed to predict the effect of sequence changes on RNA splicing suggest that this variant is not likely to affect RNA splicing. This variant has not been reported in the literature in individuals affected with RINT1-related conditions. The frequency data for this variant in the population databases is considered unreliable, as metrics indicate poor data quality at this position in the gnomAD database. This sequence change falls in intron 3 of the RINT1 gene. It does not directly change the encoded amino acid sequence of the RINT1 protein. It affects a nucleotide within the consensus splice site.

Literature cited by the submitters: PubMed 17576681; PubMed 9536098.